The following is an entry in ClinVar:

NM_000231.3(SGCG):c.655G>T (p.Glu219Ter)

Gene: SGCG (sarcoglycan gamma; plus strand). Cytogenetic location: 13q12.12.
Variant type: single nucleotide variant.
Coding change: c.655G>T on transcript NM_000231.3 (MANE Select); coding-DNA position 655, G replaced by T.
Protein change: p.Glu219Ter; replaces glutamic acid 219 with a stop codon.
Molecular consequence: nonsense.
Genome position (GRCh38, 1-based): chr13:23,320,713, G>T. VCF-style: chr13-23320713-G-T. GRCh37 (hg19) VCF-style: chr13-23894852-G-T.
Other names: c.709G>T, p.Glu237Ter (NM_001378244.1); c.655G>T, p.Glu219Ter (NM_001378245.1, NM_001378246.1); short protein forms E219*, E237*.
Identifiers: ClinVar variation 4854091 (VCV004854091.1).

ClinVar aggregate classification (germline): Likely pathogenic (1 of 4 stars; one submission).

Conditions:
Autosomal recessive limb-girdle muscular dystrophy type 2C (LGMDR5). Also called: MUSCULAR DYSTROPHY, LIMB-GIRDLE, AUTOSOMAL RECESSIVE 5; MUSCULAR DYSTROPHY, DUCHENNE-LIKE. Identifiers: Orphanet 353, MedGen C0410173, MONDO:0009677, OMIM 253700. Disease mechanism: Affects gamma-sarcoglycan and also disrupts the integrity of the entire sarcoglycan complex..

Submission:

3billion
Classification: Likely pathogenic for Autosomal recessive limb-girdle muscular dystrophy type 2C. Last evaluated: 2025-06-17. Review status: criteria provided, single submitter. Criteria: ACMG Guidelines, 2015. Collection method: clinical testing. Allele origin: germline. Affected: yes.
Comment: The variant is not observed in the gnomAD v4.1.0 dataset. Predicted Consequence/Location: Stop-gained (nonsense): predicted to result in a loss or disruption of normal protein function through protein truncation. The predicted truncated protein may be shortened by more than 10%. Therefore, this variant is classified as Likely pathogenic according to the recommendation of ACMG/AMP guideline.